The following is an entry in ClinVar:

NM_000548.5(TSC2):c.461C>A (p.Thr154Asn)

Gene: TSC2 (TSC complex subunit 2; plus strand). Cytogenetic location: 16p13.3.
Variant type: single nucleotide variant.
Coding change: c.461C>A on transcript NM_000548.5 (MANE Select); coding-DNA position 461, C replaced by A.
Protein change: p.Thr154Asn; replaces threonine 154 with asparagine.
Molecular consequence: missense variant. On other transcripts: 5 prime UTR variant (13), non-coding transcript variant (5), intron variant (6).
Genome position (GRCh38, 1-based): chr16:2,054,420, C>A. VCF-style: chr16-2054420-C-A. GRCh37 (hg19) VCF-style: chr16-2104421-C-A.
Other names: c.-971C>A (NM_001406691.1, NM_001406692.1, NM_001406697.1 and 2 more transcripts); c.-1187C>A (NM_001406693.1); c.-852C>A (NM_001406694.1, NM_001406695.1); c.-959C>A (NM_001406696.1); c.-1147C>A (NM_001406698.1); c.461C>A, p.Thr154Asn (NM_021055.3, NM_001406673.1, NM_001406663.1 and 8 more transcripts); c.-1-1776C>A (NM_001406682.1, NM_001406684.1, NM_001406685.1 and 3 more transcripts); c.314C>A, p.Thr105Asn (NM_001406675.1, NM_001406676.1, NM_001406679.1 and 1 more transcripts); and 6 more; short protein forms T165N, T117N, T184N, P6T, T135N, T105N, T154N.
Identifiers: ClinVar variation 3974607 (VCV003974607.2).

ClinVar aggregate classification (germline): Conflicting classifications of pathogenicity. Review status: criteria provided, conflicting classifications (1 of 4 stars). 3 submissions from 3 submitters: Uncertain significance (2); Benign (1). Last evaluated 2025-06-30.

Conditions:
Hereditary cancer-predisposing syndrome. Also called: Tumor predisposition; Neoplastic Syndromes, Hereditary; Hereditary Cancer Syndrome; Hereditary neoplastic syndrome. Identifiers: Orphanet 140162, MedGen C0027672, MeSH D009386, MONDO:0015356.
Tuberous sclerosis syndrome (TSC). Also called: Tuberous Sclerosis Complex; Tuberous sclerosis. Identifiers: Orphanet 805, MedGen C0041341, MONDO:0001734.
Tuberous sclerosis 2 (TSC2). Identifiers: Orphanet 805, MedGen C1860707, MONDO:0013199, OMIM 613254.

Submissions (3):

Color Diagnostics, LLC DBA Color Health
Classification: Uncertain significance for Tuberous sclerosis syndrome. Last evaluated: 2025-06-30. Review status: criteria provided, single submitter. Criteria: ACMG Guidelines, 2015. Collection method: clinical testing. Allele origin: germline.
Comment: This missense variant replaces threonine with asparagine at codon 154 of the TSC2 protein. Computational prediction suggests that this variant may not impact protein structure and function. To our knowledge, functional studies have not been reported for this variant. This variant has not been reported in individuals affected with TSC2-related disorders in the literature. This variant has been identified in 1/251486 chromosomes in the general population by the Genome Aggregation Database (gnomAD). The available evidence is insufficient to determine the role of this variant in disease conclusively. Therefore, this variant is classified as a Variant of Uncertain Significance.

Labcorp Genetics (formerly Invitae), Labcorp
Classification: Benign for Tuberous sclerosis 2. Last evaluated: 2025-06-11. Review status: criteria provided, single submitter. Criteria: Invitae Variant Classification Sherloc (09022015). Collection method: clinical testing. Allele origin: germline.

Ambry Genetics
Classification: Uncertain significance for Hereditary cancer-predisposing syndrome. Last evaluated: 2025-05-31. Review status: criteria provided, single submitter. Criteria: Ambry Variant Classification Scheme 2023. Collection method: clinical testing. Allele origin: germline.
Comment: The p.T154N variant (also known as c.461C>A), located in coding exon 4 of the TSC2 gene, results from a C to A substitution at nucleotide position 461. The threonine at codon 154 is replaced by asparagine, an amino acid with similar properties. This amino acid position is conserved. In addition, this alteration is predicted to be tolerated by in silico analysis. Based on the available evidence, the clinical significance of this variant remains unclear.